The following is an entry in ClinVar:

ClinVar aggregate classification (germline): Uncertain significance (1 of 4 stars; one submission).

gnomAD v4.1: 7 of 1,614,132 alleles (0.00043%); highest among the groups gnomAD compares: Non-Finnish European, 0.00051%; no homozygotes.

Submission:

Labcorp Genetics (formerly Invitae), Labcorp
Classification: Uncertain significance. Last evaluated: 2021-12-08. Review status: criteria provided, single submitter. Criteria: Invitae Variant Classification Sherloc (09022015). Collection method: clinical testing. Allele origin: germline.
Comment: This sequence change replaces aspartic acid, which is acidic and polar, with glycine, which is neutral and non-polar, at codon 603 of the RP1 protein (p.Asp603Gly). This variant is present in population databases (no rsID available, gnomAD 0.002%). This variant has not been reported in the literature in individuals affected with RP1-related conditions. Algorithms developed to predict the effect of missense changes on protein structure and function output the following: SIFT: "Deleterious"; PolyPhen-2: "Benign"; Align-GVGD: "Class C65". The glycine amino acid residue is found in multiple mammalian species, which suggests that this missense change does not adversely affect protein function. Algorithms developed to predict the effect of sequence changes on RNA splicing suggest that this variant may create or strengthen a splice site. In summary, the available evidence is currently insufficient to determine the role of this variant in disease. Therefore, it has been classified as a Variant of Uncertain Significance.

NM_006269.2(RP1):c.1808A>G (p.Asp603Gly)

Gene: RP1 (RP1 axonemal microtubule associated; plus strand). Cytogenetic location: 8q12.1.
Variant type: single nucleotide variant.
Coding change: c.1808A>G on transcript NM_006269.2 (MANE Select); coding-DNA position 1808, A replaced by G.
Protein change: p.Asp603Gly; replaces aspartic acid 603 with glycine.
Molecular consequence: missense variant. On other transcripts: intron variant (1).
Genome position (GRCh38, 1-based): chr8:54,625,690, A>G. VCF-style: chr8-54625690-A-G. GRCh37 (hg19) VCF-style: chr8-55538250-A-G.
Other names: c.787+3402A>G (NM_001375654.1); short protein forms D603G.
Identifiers: ClinVar variation 1943854 (VCV001943854.5), dbSNP rs1437017159, ClinGen allele CA370991685.